The following is an entry in ClinVar:

ClinVar aggregate classification (germline): Likely pathogenic (1 of 4 stars; one submission).

Conditions:
Dilated cardiomyopathy 1G (CMD1G). Identifiers: Orphanet 154, MedGen C1858763, MONDO:0011400, OMIM 604145.
Autosomal recessive limb-girdle muscular dystrophy type 2J (LGMDR10). Also called: Limb-girdle muscular dystrophy, type 2J; MUSCULAR DYSTROPHY, LIMB-GIRDLE, AUTOSOMAL RECESSIVE 10. Identifiers: Orphanet 140922, MedGen C1837342, MONDO:0012127, OMIM 608807.

Submission:

Labcorp Genetics (formerly Invitae), Labcorp
Classification: Likely pathogenic for Dilated cardiomyopathy 1G; Autosomal recessive limb-girdle muscular dystrophy type 2J. Last evaluated: 2024-10-18. Review status: criteria provided, single submitter. Criteria: Invitae Variant Classification Sherloc (09022015). Collection method: clinical testing. Allele origin: germline.
Comment: This sequence change creates a premature translational stop signal (p.Ala15553Tyrfs*10) in the TTN gene. While this is not anticipated to result in nonsense mediated decay, it is expected to create a truncated TTN protein. This variant is not present in population databases (gnomAD no frequency). This variant has not been reported in the literature in individuals affected with TTN-related conditions. ClinVar contains an entry for this variant (Variation ID: 1055316). This variant is located in the I band of TTN (PMID: 25589632). Truncating variants in this region have been reported in individuals affected with autosomal recessive centronuclear myopathy (PMID: 23975875, internal data). Truncating variants in this region have also been identified in individuals affected with autosomal dominant dilated cardiomyopathy and/or cardio-related conditions (PMID: 27869827, 32964742, internal data). In summary, the currently available evidence indicates that the variant is pathogenic, but additional data are needed to prove that conclusively. Therefore, this variant has been classified as Likely Pathogenic.

Literature cited by the submitters: PubMed 25589632; PubMed 23975875; PubMed 27869827; PubMed 32964742.

NM_001267550.2(TTN):c.46653_46656dup (p.Ala15553fs)

Genes: TTN-AS1 (TTN antisense RNA 1; plus strand), TTN (titin; minus strand). Cytogenetic location: 2q31.2.
Variant type: Duplication.
Coding change: c.46653_46656dup on transcript NM_001267550.2 (MANE Select); coding-DNA positions 46653 to 46656, 4 bases duplicated (TATT; older notation c.46653_46656dupTATT).
Protein change: p.Ala15553fs; shifts the reading frame from alanine 15553.
Molecular consequence: frameshift variant.
Genome position (GRCh38, 1-based): chr2:178,619,661-178,619,664, AATA duplicated on the plus strand (TATT on the coding strand, the reverse complement: TTN is on the minus strand); duplicating any 4 consecutive bases within chr2:178,619,661-178,619,667 gives the same sequence; the c. name uses the placement nearest the transcript's 3' end. VCF-style (leftmost placement, unchanged base first): chr2-178619660-C-CAATA. GRCh37 (hg19) VCF-style: chr2-179484387-C-CAATA.
Other names: c.41730_41733dup, p.Ala13912fs (NM_001256850.1); c.19458_19461dup, p.Ala6488fs (NM_003319.4); c.38949_38952dup, p.Ala12985fs (NM_133378.4); c.19833_19836dup, p.Ala6613fs (NM_133432.3); c.20034_20037dup, p.Ala6680fs (NM_133437.4); short protein forms A12985fs, A13912fs, A15553fs, A6488fs, A6613fs, A6680fs.
Identifiers: ClinVar variation 1055316 (VCV001055316.11), dbSNP rs2154210554, ClinGen allele CA2499215435.
Genomic context (GRCh38, chr2:178,619,660, plus strand): 5'-TTTTAAAATAAAGGGACTGACCTGCCAGTTCAAGCTTAGCTCTGGCTTCTTTGTCTTTGG[C>CAATA]AATAAATCTGTATTCACCCTGGTCACGGGGCTTAATATCACAAATCTGTAGTCGATGTAT-3'